The following is an entry in ClinVar:

NM_003809.3(TNFSF12):c.310C>G (p.Arg104Gly)

Genes: TNFSF12 (TNF superfamily member 12; plus strand), TNFSF12-TNFSF13 (TNFSF12-TNFSF13 readthrough; plus strand). Cytogenetic location: 17p13.1.
Variant type: single nucleotide variant.
Coding change: c.310C>G on transcript NM_003809.3 (MANE Select); coding-DNA position 310, C replaced by G.
Protein change: p.Arg104Gly; replaces arginine 104 with glycine.
Molecular consequence: missense variant. On other transcripts: non-coding transcript variant (1).
Genome position (GRCh38, 1-based): chr17:7,550,825, C>G. VCF-style: chr17-7550825-C-G. GRCh37 (hg19) VCF-style: chr17-7454142-C-G.
Other names: c.310C>G, p.Arg104Gly (NM_172089.4); short protein forms R104G.
Identifiers: ClinVar variation 2166425 (VCV002166425.4), dbSNP rs1432703775, ClinGen allele CA397857253.
Genomic context (GRCh38, chr17:7,550,825, plus strand): 5'-CCGCTTTGCTCATCTGTCTTTCCTTGATCCTCAGCACCTAAAGGCCGGAAAACACGGGCT[C>G]GAAGAGCGATCGCAGCCCATTATGAAGGTGGGTGATGGGTGAGCCATACCCAGGAGGAGA-3'
Protein context (NP_003800.1, residues 94-114): SAPKGRKTRA[Arg104Gly]RAIAAHYEVH

ClinVar aggregate classification (germline): Uncertain significance (1 of 4 stars; one submission).

Conditions:
Common variable immunodeficiency (CVID). Also called: Common variable hypogamma-globulinemia; Common variable agammaglobulinemia. Identifiers: Orphanet 1572, MedGen C0009447, MONDO:0015517.

Submission:

Labcorp Genetics (formerly Invitae), Labcorp
Classification: Uncertain significance for Common variable immunodeficiency. Last evaluated: 2023-10-16. Review status: criteria provided, single submitter. Criteria: Invitae Variant Classification Sherloc (09022015). Collection method: clinical testing. Allele origin: germline.
Comment: This sequence change replaces arginine, which is basic and polar, with glycine, which is neutral and non-polar, at codon 104 of the TNFSF12 protein (p.Arg104Gly). This variant is present in population databases (no rsID available, gnomAD no frequency). This variant has not been reported in the literature in individuals affected with TNFSF12-related conditions. ClinVar contains an entry for this variant (Variation ID: 2166425). An algorithm developed to predict the effect of missense changes on protein structure and function (PolyPhen-2) suggests that this variant is likely to be disruptive. In summary, the available evidence is currently insufficient to determine the role of this variant in disease. Therefore, it has been classified as a Variant of Uncertain Significance.